The following is an entry in ClinVar:

ClinVar aggregate classification (germline): Uncertain significance. Review status: criteria provided, single submitter (1 of 4 stars). 4 submissions from 3 submitters: Uncertain significance (2). 2 of the submissions do not count toward it.

Conditions:
Transitory neonatal diabetes mellitus. Also called: Transient neonatal diabetes mellitus. Identifiers: MedGen C0342273, MONDO:0020525, HP:0008255.
Maturity-onset diabetes of the young (MODY). Also called: Maturity onset diabetes mellitus in young. Identifiers: Orphanet 552, MedGen C0342276, MONDO:0018911, HP:0004904.
Hyperinsulinemic hypoglycemia, familial, 1 (HHF1). Also called: Persistent hyperinsulinemic hypoglycemia of infancy; HYPERINSULINISM, FAMILIAL, WITH PANCREATIC NESIDIOBLASTOSIS; HYPOGLYCEMIA, HYPERINSULINEMIC, OF INFANCY; NESIDIOBLASTOSIS OF PANCREAS; Persistent Hyperinsulinemia Hypoglycemia of Infancy. Identifiers: Orphanet 276575, Orphanet 276598, MedGen C2931832, MONDO:0009734, OMIM 256450.

Submissions (4):

Clinical Genomics, Uppaluri K&H Personalized Medicine Clinic
Classification: Uncertain significance for Maturity-onset diabetes of the young. Review status: criteria provided, single submitter. Criteria: K & H Uppaluri Personalized Medicine Clinic Variant Classification & Assertion Criteria_Updated V.1. Collection method: research. Allele origin: unknown. Inheritance: Somatic mutation.
Comment: Mutations in ABCC8 gene are associated with both neonatal diabetes mellitus as well as MODY. Patients with this mutation may have a better response to sulfonylureas. However, no sufficient evidence is found to ascertain the role of this particular variant (rs1554933415) in MODY yet.

Clinical Genomics, Uppaluri K&H Personalized Medicine Clinic
Classification: Uncertain significance for Transitory neonatal diabetes mellitus. Review status: criteria provided, single submitter. Criteria: K & H Uppaluri Personalized Medicine Clinic Variant Classification & Assertion Criteria_Updated V.1. Collection method: research. Allele origin: unknown. Inheritance: Somatic mutation.
Comment: Mutations in ABCC8 gene are associated with both neonatal diabetes mellitus as well as MODY. Patients with this mutation may have a better response to sulfonylureas. However, no sufficient evidence is found to ascertain the role of this particular variant (rs1554933415) in neonatal diabetes yet.

Department of Medical Genetics, Institute of Mother and Child, Institute of Mother and Child
Classification: Likely pathogenic for Hyperinsulinemic hypoglycemia, familial, 1. Last evaluated: 2024-08-07. Review status: no assertion criteria provided. Collection method: clinical testing. Allele origin: paternal. Inheritance: Autosomal dominant inheritance. Affected: yes. Observed: 1 heterozygote. Not counted in ClinVar's aggregate classification.
Comment: ABCC8 NM_000352.6: c.1467+1G>T variant, is a splicing variant, changing a canonical nucleotide in splicing donor site. Phenotype classified, according to OMIM, as one of the ABCC8 spectrum disorders; * 600509; Hyperinsulinemic hypoglycemia familial 1; # 256450 Variant classified as Likely Pathogenic due to: lack in the gnomAD population databases [PM2 moderate], loss of function mutation, known mechanism of disease [PS1 strong], variant was reported pathogenic [PP5 supporting], ClinVar RCV000672183.1.

Counsyl
Classification: Likely pathogenic for Hyperinsulinemic hypoglycemia, familial, 1. Last evaluated: 2018-01-18. Review status: no assertion criteria provided. Collection method: clinical testing. Allele origin: unknown. Not counted in ClinVar's aggregate classification.

Literature cited by the submitters: PubMed 16885549 (cited by Clinical Genomics, Uppaluri K&H Personalized Medicine Clinic and Department of Medical Genetics, Institute of Mother and Child, Institute of Mother and Child); PubMed 21989597 (cited by Clinical Genomics, Uppaluri K&H Personalized Medicine Clinic and Department of Medical Genetics, Institute of Mother and Child, Institute of Mother and Child); PubMed 27538677 (cited by Clinical Genomics, Uppaluri K&H Personalized Medicine Clinic and Department of Medical Genetics, Institute of Mother and Child, Institute of Mother and Child); PubMed 18981553 (cited by Clinical Genomics, Uppaluri K&H Personalized Medicine Clinic); PubMed 32027066 (cited by Clinical Genomics, Uppaluri K&H Personalized Medicine Clinic and Department of Medical Genetics, Institute of Mother and Child, Institute of Mother and Child); PubMed 16613899 (cited by Clinical Genomics, Uppaluri K&H Personalized Medicine Clinic and Department of Medical Genetics, Institute of Mother and Child, Institute of Mother and Child); PubMed 18025408 (cited by Clinical Genomics, Uppaluri K&H Personalized Medicine Clinic and Department of Medical Genetics, Institute of Mother and Child, Institute of Mother and Child); PubMed 32792356 (cited by Clinical Genomics, Uppaluri K&H Personalized Medicine Clinic and Department of Medical Genetics, Institute of Mother and Child, Institute of Mother and Child).

NM_000352.6(ABCC8):c.1467+1G>T

Gene: ABCC8 (ATP binding cassette subfamily C member 8; minus strand). Cytogenetic location: 11p15.1.
Variant type: single nucleotide variant.
Coding change: c.1467+1G>T on transcript NM_000352.6 (MANE Select); the canonical splice donor site of the intron after coding-DNA position 1467, G replaced by T.
Molecular consequence: splice donor variant.
Genome position (GRCh38, 1-based): chr11:17,443,177, C>A on the plus strand (G>T on the coding strand, the complement: ABCC8 is on the minus strand). VCF-style: chr11-17443177-C-A. GRCh37 (hg19) VCF-style: chr11-17464724-C-A.
Other names: c.1467+1G>T (NM_001351295.2, NM_001287174.3); c.1464+1G>T (NM_001351297.2, NM_001351296.2).
Identifiers: ClinVar variation 556210 (VCV000556210.5), dbSNP rs1554933415, ClinGen allele CA379766854.